The following is an entry in ClinVar:

ClinVar aggregate classification (germline): Uncertain significance (1 of 4 stars; one submission).

gnomAD v4.1: 1 of 1,609,454 alleles (0.000062%); highest among the groups gnomAD compares: Admixed American, 0.0017%; no homozygotes.

Submission:

Labcorp Genetics (formerly Invitae), Labcorp
Classification: Uncertain significance. Last evaluated: 2025-03-31. Review status: criteria provided, single submitter. Criteria: Invitae Variant Classification Sherloc (09022015). Collection method: clinical testing. Allele origin: germline.
Comment: This sequence change replaces alanine, which is neutral and non-polar, with glycine, which is neutral and non-polar, at codon 540 of the LMNB1 protein (p.Ala540Gly). This variant is not present in population databases (gnomAD no frequency). This variant has not been reported in the literature in individuals affected with LMNB1-related conditions. Invitae Evidence Modeling of protein sequence and biophysical properties (such as structural, functional, and spatial information, amino acid conservation, physicochemical variation, residue mobility, and thermodynamic stability) indicates that this missense variant is expected to disrupt LMNB1 protein function with a positive predictive value of 80%. In summary, the available evidence is currently insufficient to determine the role of this variant in disease. Therefore, it has been classified as a Variant of Uncertain Significance.

NM_005573.4(LMNB1):c.1619C>G (p.Ala540Gly)

Gene: LMNB1 (lamin B1; plus strand). Cytogenetic location: 5q23.2.
Variant type: single nucleotide variant.
Coding change: c.1619C>G on transcript NM_005573.4 (MANE Select); coding-DNA position 1619, C replaced by G.
Protein change: p.Ala540Gly; replaces alanine 540 with glycine.
Molecular consequence: missense variant. On other transcripts: non-coding transcript variant (2).
Genome position (GRCh38, 1-based): chr5:126,832,701, C>G. VCF-style: chr5-126832701-C-G. GRCh37 (hg19) VCF-style: chr5-126168393-C-G.
Other names: c.989C>G, p.Ala330Gly (NM_001198557.2); short protein forms A330G, A540G.
Identifiers: ClinVar variation 3622676 (VCV003622676.2).